The following is an entry in ClinVar:

NM_006180.6(NTRK2):c.2143C>T (p.Arg715Trp)

Gene: NTRK2 (neurotrophic receptor tyrosine kinase 2; plus strand). Cytogenetic location: 9q21.33.
Variant type: single nucleotide variant.
Coding change: c.2143C>T on transcript NM_006180.6 (MANE Select); coding-DNA position 2143, C replaced by T.
Protein change: p.Arg715Trp; replaces arginine 715 with tryptophan.
Molecular consequence: missense variant.
Genome position (GRCh38, 1-based): chr9:84,955,488, C>T. VCF-style: chr9-84955488-C-T. GRCh37 (hg19) VCF-style: chr9-87570403-C-T.
Other names: c.2143C>T (NM_006180.3, NM_006180.4); c.2095C>T, p.Arg699Trp (NM_001018064.3, NM_001369532.1, NM_001369533.1); c.2059C>T, p.Arg687Trp (NM_001369534.1); c.1627C>T, p.Arg543Trp (NM_001369535.1); c.1675C>T, p.Arg559Trp (NM_001369536.1); c.2143C>T, p.Arg715Trp (NM_001381928.1); short protein forms R543W, R559W, R687W, R699W, R715W.
Identifiers: ClinVar variation 3068726 (VCV003068726.4), dbSNP rs1823997308, ClinGen allele CA374010344.

ClinVar aggregate classification (germline): Conflicting classifications of pathogenicity. Review status: criteria provided, conflicting classifications (1 of 4 stars). 3 submissions from 3 submitters: Likely pathogenic (1); Uncertain significance (2). Last evaluated 2026-07-09.

Conditions:
NTRK2-related disorder. Also called: NTRK2-related condition.
Obesity, hyperphagia, and developmental delay (OBHD). Identifiers: Orphanet 99704, MedGen C3151303, MONDO:0013483, OMIM 613886.

Allele frequency attached by ClinVar (database versions not stated): TOPMed below 0.00001.

Submissions (3):

PreventionGenetics, part of Exact Sciences
Classification: Uncertain significance for NTRK2-related condition. Last evaluated: 2026-07-09. Review status: criteria provided, single submitter. Criteria: ACMG Guidelines, 2015. Collection method: clinical testing. Allele origin: germline.
Comment: The NTRK2 c.2143C>T variant is predicted to result in the amino acid substitution p.Arg715Trp. This variant has been reported in the heterozygous state in individuals with learning difficulties, intellectual disability, and obesity (Table 1, Sonoyama et al. 2020. PubMed ID: 32493978; Figure 1, Berger et al. 2024. PubMed ID: 39540377), and in an individual with mild intellectual disability and autistic features who was not obese (Figure 1, Berger et al. 2024. PubMed ID: 39540377). An alternate nucleotide change affecting the same amino acid (p.Arg715Gln) has also been reported in individuals with neurodevelopmental phenotypes with or without obesity (Table 1, Sonoyama et al. 2020. PubMed ID: 32493978; Figure 1 Berger et al. 2024. PubMed ID: 39540377). The p.Arg715Trp variant occurs within the tyrosine kinase domain of the NTRK2 protein. Missense variants within this domain have been reported in association with disease and are thought to possibly have a loss of function effect (Berger et al. 2024. PubMed ID: 39540377). This variant has not been reported in the literature or in a large population database, indicating this variant is rare. This variant has conflicting interpretations in ClinVar, ranging from uncertain to likely pathogenic (Variation ID: 3068726). Although we suspect that this variant may be pathogenic, at this time, the clinical significance of this variant is uncertain due to the absence of conclusive functional and genetic evidence.

Institute of Human Genetics, University of Leipzig Medical Center
Classification: Uncertain significance for Obesity, hyperphagia, and developmental delay. Last evaluated: 2024-02-13. Review status: criteria provided, single submitter. Criteria: ACMG Guidelines, 2015. Collection method: clinical testing. Allele origin: de novo. Inheritance: Autosomal dominant inheritance. Affected: yes. Observed: 2 variant alleles.
Comment: Criteria applied: PS2_Mod,PP3, PP2 PM2_Sup

GeneDx
Classification: Likely pathogenic. Last evaluated: 2023-10-30. Review status: criteria provided, single submitter. Criteria: GeneDx Variant Classification Process June 2021. Collection method: clinical testing. Allele origin: germline. Affected: yes.
Comment: Published functional studies demonstrate a damaging effect on signal pathways and neuronal function (PMID: 32493978); Reported in an individual with learning difficulties and obesity (PMID: 32493978); Not observed at significant frequency in large population cohorts (gnomAD); In silico analysis supports that this missense variant has a deleterious effect on protein structure/function; This variant is associated with the following publications: (PMID: 34889524, 32493978, 34833132, 33958275)